The following is an entry in ClinVar:

ClinVar aggregate classification (germline): Uncertain significance (1 of 4 stars; one submission).

Conditions:
Dilated cardiomyopathy 1Z (CMD1Z). Identifiers: Orphanet 154, MedGen C2678475, MONDO:0012745, OMIM 611879.
Hypertrophic cardiomyopathy 13. Also called: TNNC1-Related Familial Hypertrophic Cardiomyopathy. Identifiers: MedGen C2750472, MONDO:0013195, OMIM 613243.

Submission:

Labcorp Genetics (formerly Invitae), Labcorp
Classification: Uncertain significance for Hypertrophic cardiomyopathy 13; Dilated cardiomyopathy 1Z. Last evaluated: 2022-04-19. Review status: criteria provided, single submitter. Criteria: Invitae Variant Classification Sherloc (09022015). Collection method: clinical testing. Allele origin: germline.
Comment: This variant results in the deletion of exon 6 and part of exon 5 (c.436_*8del) of the TNNC1 gene. While this deletion is not anticipated to lead to nonsense mediated decay, it is expected to alter mRNA translation or result in a truncated protein product. This variant has not been reported in the literature in individuals affected with TNNC1-related conditions. In summary, the available evidence is currently insufficient to determine the role of this variant in disease. Therefore, it has been classified as a Variant of Uncertain Significance.

NC_000003.11:g.(?_52485283)_(52485425_?)del

Gene: TNNC1 (troponin C1, slow skeletal and cardiac type; minus strand). Cytogenetic location: 3p21.1.
Variant type: Deletion.
Identifiers: ClinVar variation 2424666 (VCV002424666.4).